The following is an entry in ClinVar:

ClinVar aggregate classification (germline): Uncertain significance (1 of 4 stars; one submission).

Conditions:
Fanconi anemia (FA). Also called: Fanconi's anemia. Identifiers: Orphanet 84, MedGen C0015625, MeSH D005199, MONDO:0019391.

Allele frequency attached by ClinVar (database versions not stated): gnomAD exomes below 0.00001; gnomAD 0.00002; TOPMed 0.00002; ESP Exome Variant Server 0.00019.
gnomAD v4.1: 3 of 1,208,012 alleles (0.00025%); highest among the groups gnomAD compares: African/African-American, 0.0053%; no homozygotes.

Submission:

Labcorp Genetics (formerly Invitae), Labcorp
Classification: Uncertain significance for Fanconi anemia. Last evaluated: 2024-01-15. Review status: criteria provided, single submitter. Criteria: Invitae Variant Classification Sherloc (09022015). Collection method: clinical testing. Allele origin: germline.
Comment: This sequence change replaces lysine, which is basic and polar, with glutamic acid, which is acidic and polar, at codon 829 of the FANCB protein (p.Lys829Glu). This variant is not present in population databases (gnomAD no frequency). This variant has not been reported in the literature in individuals affected with FANCB-related conditions. Advanced modeling of protein sequence and biophysical properties (such as structural, functional, and spatial information, amino acid conservation, physicochemical variation, residue mobility, and thermodynamic stability) performed at Invitae indicates that this missense variant is expected to disrupt FANCB protein function with a positive predictive value of 80%. In summary, the available evidence is currently insufficient to determine the role of this variant in disease. Therefore, it has been classified as a Variant of Uncertain Significance.

NM_001018113.3(FANCB):c.2485A>G (p.Lys829Glu)

Gene: FANCB (FA complementation group B; minus strand). Cytogenetic location: Xp22.2.
Variant type: single nucleotide variant.
Coding change: c.2485A>G on transcript NM_001018113.3 (MANE Select); coding-DNA position 2485, A replaced by G.
Protein change: p.Lys829Glu; replaces lysine 829 with glutamic acid.
Molecular consequence: missense variant.
Genome position (GRCh38, 1-based): chrX:14,843,662, T>C on the plus strand (A>G on the coding strand, the complement: FANCB is on the minus strand). VCF-style: chrX-14843662-T-C. GRCh37 (hg19) VCF-style: chrX-14861784-T-C.
Other names: c.2485A>G, p.Lys829Glu (NM_001324162.2, NM_001410764.1, NM_152633.4); short protein forms K829E.
Identifiers: ClinVar variation 3018433 (VCV003018433.3), dbSNP rs373465821, ClinGen allele CA327057444.